The following is an entry in ClinVar:

ClinVar aggregate classification (germline): Benign (1 of 4 stars; one submission).

Conditions:
Erythrocytosis, familial, 4 (ECYT4). Identifiers: Orphanet 247511, MedGen C2673187, MONDO:0012729, OMIM 611783.

Allele frequency attached by ClinVar (database versions not stated): TOPMed 0.00009; 1000 Genomes Project 30x 0.00265; gnomAD 0.00013; 1000 Genomes Project 0.00319.

Submission:

Illumina Laboratory Services, Illumina
Classification: Benign for Erythrocytosis, familial, 4. Last evaluated: 2018-01-13. Review status: criteria provided, single submitter. Criteria: ICSL Variant Classification Criteria 13 December 2019. Collection method: clinical testing. Allele origin: germline.
Comment: This variant was observed in the ICSL laboratory as part of a predisposition screen in an ostensibly healthy population. It had not been previously curated by ICSL or reported in the Human Gene Mutation Database (HGMD: prior to June 1st, 2018), and was therefore a candidate for classification through an automated scoring system. Utilizing variant allele frequency, disease prevalence and penetrance estimates, and inheritance mode, an automated score was calculated to assess if this variant is too frequent to cause the disease. Based on the score and internal cut-off values, a variant classified as benign is not then subjected to further curation. The score for this variant resulted in a classification of benign for this disease.

NM_001430.5(EPAS1):c.*1275C>A

Gene: EPAS1 (endothelial PAS domain protein 1; plus strand). Cytogenetic location: 2p21.
Variant type: single nucleotide variant.
Coding change: c.*1275C>A on transcript NM_001430.5 (MANE Select); 1275 bases downstream of the stop codon, C replaced by A.
Molecular consequence: 3 prime UTR variant.
Genome position (GRCh38, 1-based): chr2:46,385,935, C>A. VCF-style: chr2-46385935-C-A. GRCh37 (hg19) VCF-style: chr2-46613074-C-A.
Identifiers: ClinVar variation 336312 (VCV000336312.5), dbSNP rs554001260, ClinGen allele CA10615644.